The following is an entry in ClinVar:

NM_000051.4(ATM):c.5067A>G (p.Gln1689=)

Gene: ATM (ATM serine/threonine kinase; plus strand). Cytogenetic location: 11q22.3.
Variant type: single nucleotide variant.
Coding change: c.5067A>G on transcript NM_000051.4 (MANE Select); coding-DNA position 5067, A replaced by G.
Protein change: p.Gln1689=; no amino-acid change (glutamine 1689 retained).
Molecular consequence: synonymous variant.
Genome position (GRCh38, 1-based): chr11:108,299,775, A>G. VCF-style: chr11-108299775-A-G. GRCh37 (hg19) VCF-style: chr11-108170502-A-G.
Other names: c.5067A>G, p.Gln1689= (NM_001351834.2).
Identifiers: ClinVar variation 524456 (VCV000524456.9), dbSNP rs1555104621, ClinGen allele CA476674688.
Genomic context (GRCh38, chr11:108,299,775, plus strand): 5'-GGCTGTTGGAAGCTGCTTGGGAGAAGTGGGTCCTATAGATTTCTCTACCATAGCTATACA[A>G]CATAGTAAAGATGCATCTTATACCAAGGCCCTTAAGTTATTTGAAGATAAAGAACTTCAG-3'
Protein context (NP_000042.3, residues 1679-1699): GPIDFSTIAI[Gln1689=]HSKDASYTKA

ClinVar aggregate classification (germline): Benign/Likely benign. Review status: criteria provided, multiple submitters, no conflicts (2 of 4 stars). 3 submissions from 3 submitters: Benign (1); Likely benign (2). Last evaluated 2025-02-03.

Conditions:
Hereditary cancer-predisposing syndrome. Also called: Neoplastic Syndromes, Hereditary; Tumor predisposition; Hereditary Cancer Syndrome; Hereditary neoplastic syndrome. Identifiers: Orphanet 140162, MedGen C0027672, MeSH D009386, MONDO:0015356.
Familial cancer of breast. Also called: hereditary breast carcinoma; BREAST CANCER, FAMILIAL; Hereditary breast cancer. Identifiers: Orphanet 227535, MedGen C0346153, MONDO:0016419, OMIM 114480. Disease mechanism: loss of function.
Ataxia-telangiectasia syndrome (AT). Also called: ATAXIA-TELANGIECTASIA, COMPLEMENTATION GROUP A; ATAXIA-TELANGIECTASIA, FRESNO VARIANT; Ataxia-telangiectasia; Ataxia-telangiectasia, complementation group D; AT, COMPLEMENTATION GROUP C; Ataxia-telangiectasia, complementation group E. Identifiers: Orphanet 100, MedGen C0004135, MONDO:0008840, OMIM 208900.

Allele frequency attached by ClinVar (database versions not stated): gnomAD exomes below 0.00001.
gnomAD v4.1: 2 of 1,614,020 alleles (0.00012%); highest among the groups gnomAD compares: Non-Finnish European, 0.00017%; no homozygotes.

Submissions (3):

Ambry Genetics
Classification: Likely benign for Hereditary cancer-predisposing syndrome. Last evaluated: 2025-02-03. Review status: criteria provided, single submitter. Criteria: Ambry Variant Classification Scheme 2023. Collection method: clinical testing. Allele origin: germline.

Myriad Genetics, Inc.
Classification: Benign for Familial cancer of breast. Last evaluated: 2024-05-22. Review status: criteria provided, single submitter. Criteria: Myriad Autosomal Dominant, Autosomal Recessive and X-Linked Classification Criteria (2023). Collection method: clinical testing. Allele origin: unknown.
Comment: This variant is considered benign. This variant is a silent/synonymous amino acid change and it is not expected to impact splicing.

Labcorp Genetics (formerly Invitae), Labcorp
Classification: Likely benign for Ataxia-telangiectasia syndrome. Last evaluated: 2023-12-02. Review status: criteria provided, single submitter. Criteria: Invitae Variant Classification Sherloc (09022015). Collection method: clinical testing. Allele origin: germline.